The following is an entry in ClinVar:

ClinVar aggregate classification (germline): Conflicting classifications of pathogenicity. Review status: criteria provided, conflicting classifications (1 of 4 stars). 3 submissions from 3 submitters: Uncertain significance (1); Benign (1); Likely benign (1). Last evaluated 2025-01-27.

Conditions:
Lynch syndrome 4 (LYNCH4). Also called: Hereditary non-polyposis colorectal cancer, type 4; Colorectal cancer, hereditary nonpolyposis, type 4. Identifiers: Orphanet 144, MedGen C1838333, MONDO:0013699, OMIM 614337. Disease mechanism: loss of function.
Hereditary cancer-predisposing syndrome. Also called: Tumor predisposition; Hereditary Cancer Syndrome; Hereditary neoplastic syndrome; Neoplastic Syndromes, Hereditary. Identifiers: Orphanet 140162, MedGen C0027672, MeSH D009386, MONDO:0015356.

Allele frequency attached by ClinVar (database versions not stated): gnomAD exomes below 0.00001.
gnomAD v4.1: 1 of 1,614,072 alleles (0.000062%); highest among the groups gnomAD compares: Non-Finnish European, 0.000085%; no homozygotes.

Submissions (3):

Myriad Genetics, Inc.
Classification: Benign for Lynch syndrome 4. Last evaluated: 2025-01-27. Review status: criteria provided, single submitter. Criteria: Myriad Autosomal Dominant, Autosomal Recessive and X-Linked Classification Criteria (2023). Collection method: clinical testing. Allele origin: unknown.
Comment: This variant is considered benign. This variant is a silent/synonymous amino acid change and it is not expected to impact splicing.

Ambry Genetics
Classification: Likely benign for Hereditary cancer-predisposing syndrome. Last evaluated: 2022-09-21. Review status: criteria provided, single submitter. Criteria: Ambry Variant Classification Scheme 2023. Collection method: clinical testing. Allele origin: germline.

Illumina Laboratory Services, Illumina
Classification: Uncertain significance for Lynch syndrome 4. Last evaluated: 2018-01-12. Review status: criteria provided, single submitter. Criteria: ICSL Variant Classification Criteria 13 December 2019. Collection method: clinical testing. Allele origin: germline.

NM_000535.7(PMS2):c.636G>A (p.Gln212=)

Gene: PMS2 (PMS1 homolog 2, mismatch repair system component; minus strand). Cytogenetic location: 7p22.1.
Variant type: single nucleotide variant.
Coding change: c.636G>A on transcript NM_000535.7 (MANE Select); coding-DNA position 636, G replaced by A.
Protein change: p.Gln212=; no amino-acid change (glutamine 212 retained).
Molecular consequence: synonymous variant. On other transcripts: 5 prime UTR variant (2), non-coding transcript variant (1), intron variant (1).
Genome position (GRCh38, 1-based): chr7:5,999,177, C>T on the plus strand (G>A on the coding strand, the complement: PMS2 is on the minus strand). VCF-style: chr7-5999177-C-T. GRCh37 (hg19) VCF-style: chr7-6038808-C-T.
Other names: c.231G>A, p.Gln77= (NM_001322003.2, NM_001322004.2, NM_001322005.2 and 2 more transcripts); c.636G>A, p.Gln212= (NM_001322006.2, NM_001322014.2); c.318G>A, p.Gln106= (NM_001322007.2, NM_001322008.2); c.-298G>A (NM_001322011.2, NM_001322012.2); c.327G>A, p.Gln109= (NM_001322015.2); c.133-1754G>A (NM_001322013.2).
Identifiers: ClinVar variation 911699 (VCV000911699.7), dbSNP rs1784804225, ClinGen allele CA453646931.